The following is an entry in ClinVar:

NM_004170.6(SLC1A1):c.1189A>C (p.Ile397Leu)

Gene: SLC1A1 (solute carrier family 1 member 1; plus strand). Cytogenetic location: 9p24.2.
Variant type: single nucleotide variant.
Coding change: c.1189A>C on transcript NM_004170.6 (MANE Select); coding-DNA position 1189, A replaced by C.
Protein change: p.Ile397Leu; replaces isoleucine 397 with leucine.
Molecular consequence: missense variant.
Genome position (GRCh38, 1-based): chr9:4,576,759, A>C. VCF-style: chr9-4576759-A-C. GRCh37 (hg19) VCF-style: chr9-4576759-A-C.
Other names: short protein forms I397L.
Identifiers: ClinVar variation 2299513 (VCV002299513.5), dbSNP rs749608311, ClinGen allele CA4969251.
Genomic context (GRCh38, chr9:4,576,759, plus strand): 5'-GCAGCGGTGTTTATTGCACAGTTGAATGACCTGGACTTGGGCATTGGGCAGATCATCACC[A>C]TCAGGTGGGGCATGGTGTCACATTCATTGTCATCACTGATACAGGGATTACCGCCAGTAA-3'
Protein context (NP_004161.4, residues 387-407): LDLGIGQIIT[Ile397Leu]SITATSASIG

ClinVar aggregate classification (germline): Uncertain significance. Review status: criteria provided, multiple submitters, no conflicts (2 of 4 stars). 2 submissions from 2 submitters: Uncertain significance (2). Last evaluated 2025-12-03.

Allele frequency attached by ClinVar (database versions not stated): ExAC 0.00003; gnomAD 0.00003; TOPMed 0.00003.
gnomAD v4.1: 9 of 1,613,476 alleles (0.00056%); highest among the groups gnomAD compares: Middle Eastern, 0.017%; no homozygotes.

Submissions (2):

Dasa
Classification: Uncertain significance. Last evaluated: 2025-12-03. Review status: criteria provided, single submitter. Criteria: DASA Assertion Criteria. Collection method: clinical testing. Allele origin: germline.
Comment: NM_004170.6(SLC1A1):c.1189A>C (p.Ile397Leu) is a missense variant that results in the substitution of isoleucine with leucine. This variant is rare in population databases. Computational prediction algorithms are consistent with a benign effect. The currently available literature and clinical evidence are not sufficient to establish a definitive association between this variant and the reported condition. Therefore, this variant is classified as a variant of uncertain significance.

Ambry Genetics
Classification: Uncertain significance. Last evaluated: 2025-08-21. Review status: criteria provided, single submitter. Criteria: Ambry Variant Classification Scheme 2023. Collection method: clinical testing. Allele origin: germline.